The following is an entry in ClinVar:

ClinVar aggregate classification (germline): Likely benign. Review status: criteria provided, multiple submitters, no conflicts (2 of 4 stars). 2 submissions from 2 submitters: Likely benign (2). Last evaluated 2023-10-14.

Conditions:
Inborn genetic diseases. Identifiers: MedGen C0950123, MeSH D030342.

Allele frequency attached by ClinVar (database versions not stated): ExAC 0.00009; gnomAD 0.00015; TOPMed 0.00016; ESP Exome Variant Server 0.00024.

Submissions (2):

Ambry Genetics
Classification: Likely benign for Inborn genetic diseases. Last evaluated: 2023-10-14. Review status: criteria provided, single submitter. Criteria: Ambry Variant Classification Scheme 2023. Collection method: clinical testing. Allele origin: germline.

CeGaT Center for Human Genetics Tuebingen
Classification: Likely benign. Last evaluated: 2022-11-01. Review status: criteria provided, single submitter. Criteria: CeGaT Center For Human Genetics Tuebingen Variant Classification Criteria Version 2. Collection method: clinical testing. Allele origin: germline. Affected: yes. Observed: 1 variant allele.
Comment: TANC2: BS1

NM_001394998.1(TANC2):c.3608T>C (p.Met1203Thr)

Genes: TANC2 (tetratricopeptide repeat, ankyrin repeat and coiled-coil containing 2; plus strand), LOC105371856 (uncharacterized LOC105371856; minus strand). Cytogenetic location: 17q23.3.
Variant type: single nucleotide variant.
Coding change: c.3608T>C on transcript NM_001394998.1 (MANE Select); coding-DNA position 3608, T replaced by C.
Protein change: p.Met1203Thr; replaces methionine 1203 with threonine.
Molecular consequence: missense variant.
Genome position (GRCh38, 1-based): chr17:63,411,529, T>C. VCF-style: chr17-63411529-T-C. GRCh37 (hg19) VCF-style: chr17-61488890-T-C.
Other names: c.3386T>C, p.Met1129Thr (NM_001411076.1, NM_025185.4); c.3386T>C (NM_025185.3); short protein forms M1129T, M1203T.
Identifiers: ClinVar variation 1879379 (VCV001879379.30), dbSNP rs201991449, ClinGen allele CA8698042.